The following is an entry in ClinVar:

NM_007294.4(BRCA1):c.5142T>A (p.Val1714=)

Gene: BRCA1 (BRCA1 DNA repair associated; minus strand). Cytogenetic location: 17q21.31.
Variant type: single nucleotide variant.
Coding change: c.5142T>A on transcript NM_007294.4 (MANE Select); coding-DNA position 5142, T replaced by A.
Protein change: p.Val1714=; no amino-acid change (valine 1714 retained).
Molecular consequence: synonymous variant. On other transcripts: intron variant (2).
Genome position (GRCh38, 1-based): chr17:43,063,884, A>T on the plus strand (T>A on the coding strand, the complement: BRCA1 is on the minus strand). VCF-style: chr17-43063884-A-T. GRCh37 (hg19) VCF-style: chr17-41215901-A-T.
Other names: c.1827T>A, p.Val609= (NM_001408401.1, NM_001408402.1, NM_001408403.1 and 8 more transcripts); c.1824T>A, p.Val608= (NM_001408406.1, NM_001408407.1, NM_001408408.1); c.1821T>A, p.Val607= (NM_001408409.1); c.1758T>A, p.Val586= (NM_001408410.1); c.1755T>A, p.Val585= (NM_001408411.1); c.1752T>A, p.Val584= (NM_001408412.1, NM_001408413.1, NM_001408414.1 and 2 more transcripts); c.1716T>A, p.Val572= (NM_001408418.1, NM_001408419.1, NM_001408420.1); c.1713T>A, p.Val571= (NM_001408421.1, NM_001408422.1, NM_001408423.1 and 1 more transcripts); and 73 more.
Identifiers: ClinVar variation 867400 (VCV000867400.3), dbSNP rs749319480, ClinGen allele CA500146142.

Conditions:
Breast-ovarian cancer, familial, susceptibility to, 1 (BROVCA1). Also called: BRCA1 Hereditary Breast and Ovarian Cancer; OVARIAN CANCER, SUSCEPTIBILITY TO. Identifiers: Orphanet 145, MedGen C2676676, MONDO:0011450, OMIM 604370. Disease mechanism: loss of function.

Submission:

Brotman Baty Institute, University of Washington
No classification provided (evidence only). Condition: Breast-ovarian cancer, familial 1. Review status: no classification provided. Collection method: in vitro. Allele origin: not applicable. Functional consequence: functionally_normal.
ClinVar note: "not provided" was previously submitted as the classification for the variant. However, the classification appeared to be based only on an observation of functional data so it was converted to no classification on 2025-07-30.